The following is an entry in ClinVar:

NM_001267550.2(TTN):c.101614C>A (p.His33872Asn)

Genes: TTN (titin; minus strand), TTN-AS1 (TTN antisense RNA 1; plus strand). Cytogenetic location: 2q31.2.
Variant type: single nucleotide variant.
Coding change: c.101614C>A on transcript NM_001267550.2 (MANE Select); coding-DNA position 101614, C replaced by A.
Protein change: p.His33872Asn; replaces histidine 33872 with asparagine.
Molecular consequence: missense variant.
Genome position (GRCh38, 1-based): chr2:178,535,001, G>T on the plus strand (C>A on the coding strand, the complement: TTN is on the minus strand). VCF-style: chr2-178535001-G-T. GRCh37 (hg19) VCF-style: chr2-179399728-G-T.
Other names: c.96691C>A, p.His32231Asn (NM_001256850.1); c.74419C>A, p.His24807Asn (NM_003319.4); c.93910C>A, p.His31304Asn (NM_133378.4); c.74794C>A, p.His24932Asn (NM_133432.3); c.74995C>A, p.His24999Asn (NM_133437.4); short protein forms H24807N, H24932N, H33872N, H24999N, H32231N, H31304N.
Identifiers: ClinVar variation 836986 (VCV000836986.8), dbSNP rs1690791818, ClinGen allele CA349420217.

ClinVar aggregate classification (germline): Uncertain significance (1 of 4 stars; one submission).

Conditions:
Dilated cardiomyopathy 1G (CMD1G). Identifiers: Orphanet 154, MedGen C1858763, MONDO:0011400, OMIM 604145.
Autosomal recessive limb-girdle muscular dystrophy type 2J (LGMDR10). Also called: Limb-girdle muscular dystrophy, type 2J; MUSCULAR DYSTROPHY, LIMB-GIRDLE, AUTOSOMAL RECESSIVE 10. Identifiers: Orphanet 140922, MedGen C1837342, MONDO:0012127, OMIM 608807.

Allele frequency attached by ClinVar (database versions not stated): gnomAD exomes below 0.00001.
gnomAD v4.1: 1 of 1,613,730 alleles (0.000062%); highest among the groups gnomAD compares: African/African-American, 0.0013%; no homozygotes.

Submission:

Labcorp Genetics (formerly Invitae), Labcorp
Classification: Uncertain significance for Dilated cardiomyopathy 1G; Autosomal recessive limb-girdle muscular dystrophy type 2J. Last evaluated: 2020-02-12. Review status: criteria provided, single submitter. Criteria: Invitae Variant Classification Sherloc (09022015). Collection method: clinical testing. Allele origin: germline.
Comment: This variant has not been reported in the literature in individuals with TTN-related conditions. This variant is located in the M band of TTN (PMID: 25589632). Variants in this region may be relevant for neuromuscular disorders, but have not been definitively shown to cause cardiomyopathy (PMID: 23975875). Algorithms developed to predict the effect of missense changes on protein structure and function are unavailable for the TTN gene. In summary, the available evidence is currently insufficient to determine the role of this variant in disease. Therefore, it has been classified as a Variant of Uncertain Significance. This variant is not present in population databases (ExAC no frequency). This sequence change replaces histidine with asparagine at codon 33872 of the TTN protein (p.His33872Asn). There is a small physicochemical difference between histidine and asparagine.

Literature cited by the submitters: PubMed 25589632; PubMed 23975875.